The following is an entry in ClinVar:

Conditions:
Severe myoclonic epilepsy in infancy (DRVT). Also called: Epileptic encephalopathy, early infantile, 6 (Dravet syndrome); Dravet syndrome; SEVERE MYOCLONIC EPILEPSY OF INFANCY; DEVELOPMENTAL AND EPILEPTIC ENCEPHALOPATHY 6A; Severe Myoclonic Epilepsy in Infancy (SMEI). Identifiers: Orphanet 33069, MedGen C0751122, MONDO:0100135, OMIM 607208.

Submission:

Channelopathy-Associated Epilepsy Research Center
No classification provided (evidence only). Condition: Severe myoclonic epilepsy in infancy. Review status: no classification provided. Collection method: literature only. Allele origin: not applicable. Functional consequence: Severe increase in persistent current, Normal peak current, Mild hyperpolarizing shift of voltage dependence of activation, Normal rate of activation, Normal slope of activation, Normal fast inactivation, Normal rate of recovery from fast inactivation, Normal slope of fast inactivation, Normal voltage dependence of fast inactivation, Overall gain-of-function effect with respect to biophysical channel activity.
ClinVar note: "not provided" was previously submitted as the classification for the variant. However, the classification appeared to be based only on an observation of functional data so it was converted to no classification on 2025-07-30.

Literature cited by the submitters: PubMed 12086636.

NM_001165963.4(SCN1A):c.3610T>A (p.Trp1204Arg)

Genes: SCN1A (sodium voltage-gated channel alpha subunit 1; minus strand), LOC102724058 (uncharacterized LOC102724058; plus strand). Cytogenetic location: 2q24.3.
Variant type: single nucleotide variant.
Coding change: c.3610T>A on transcript NM_001165963.4 (MANE Select); coding-DNA position 3610, T replaced by A.
Protein change: p.Trp1204Arg; replaces tryptophan 1204 with arginine.
Molecular consequence: missense variant. On other transcripts: non-coding transcript variant (1).
Genome position (GRCh38, 1-based): chr2:166,013,839, A>T on the plus strand (T>A on the coding strand, the complement: SCN1A is on the minus strand). VCF-style: chr2-166013839-A-T. GRCh37 (hg19) VCF-style: chr2-166870349-A-T.
Other names: c.3574T>A, p.Trp1192Arg (NM_001353955.2, NM_001353954.2); c.3526T>A, p.Trp1176Arg (NM_001353957.2, NM_001353958.2, NM_001165964.3); c.3523T>A, p.Trp1175Arg (NM_001353960.2); c.1168T>A, p.Trp390Arg (NM_001353961.2); c.3577T>A, p.Trp1193Arg (NM_006920.6, NM_001353949.2, NM_001353950.2 and 2 more transcripts); c.3610T>A, p.Trp1204Arg (NM_001202435.3, NM_001353948.2); short protein forms W1175R, W1176R, W1192R, W1193R, W1204R, W390R.
Identifiers: ClinVar variation 3067167 (VCV003067167.2), dbSNP rs121917930, ClinGen allele CA349056162.
Genomic context (GRCh38, chr2:166,013,839, plus strand): 5'-TGAAGGTCTCAAACCAGTTATGTTCAACTATTCGGAAACACGTCCTTCTCAGGTTCCACC[A>T]TTGTTTTCCTCTGCCTTCTTCCACATTGATTTGACAACACTTGAATCTTTGTACACAGCC-3'
Protein context (NP_001159435.1, residues 1194-1214): INVEEGRGKQ[Trp1204Arg]WNLRRTCFRI